The following is an entry in ClinVar:

NM_013382.7(POMT2):c.127A>T (p.Lys43Ter)

Gene: POMT2 (protein O-mannosyltransferase 2; minus strand). Cytogenetic location: 14q24.3.
Variant type: single nucleotide variant.
Coding change: c.127A>T on transcript NM_013382.7 (MANE Select); coding-DNA position 127, A replaced by T.
Protein change: p.Lys43Ter; replaces lysine 43 with a stop codon.
Molecular consequence: nonsense.
Genome position (GRCh38, 1-based): chr14:77,320,555, T>A on the plus strand (A>T on the coding strand, the complement: POMT2 is on the minus strand). VCF-style: chr14-77320555-T-A. GRCh37 (hg19) VCF-style: chr14-77786898-T-A.
Other names: short protein forms K43*.
Identifiers: ClinVar variation 2202245 (VCV002202245.5), dbSNP rs1450297382, ClinGen allele CA390504652.
Genomic context (GRCh38, chr14:77,320,555, plus strand): 5'-AGGCCAGCAGGGCCCACCAGCCGACCGCCTCGAAGCGCCGTGAGCCCCAAGCAGGCCGTT[T>A]GGGGCTTCGCGCCACAGCCTCAGCGGCCACGTCCCGGCCTGCGGCCCTAGCAGCCTGGGG-3'

ClinVar aggregate classification (germline): Pathogenic/Likely pathogenic. Review status: criteria provided, multiple submitters, no conflicts (2 of 4 stars). 2 submissions from 2 submitters: Pathogenic (1); Likely pathogenic (1). Last evaluated 2023-12-24.

Conditions:
Muscular dystrophy-dystroglycanopathy (congenital with brain and eye anomalies), type A2. Also called: MUSCULAR DYSTROPHY-DYSTROGLYCANOPATHY (CONGENITAL WITH BRAIN AND EYE ANOMALIES), TYPE A, 2; WALKER-WARBURG SYNDROME OR MUSCLE-EYE-BRAIN DISEASE, POMT2-RELATED. Identifiers: Orphanet 588, Orphanet 899, MedGen C3150411, MONDO:0013154, OMIM 613150.
Muscular dystrophy-dystroglycanopathy (congenital with impaired intellectual development), type B, 2. Also called: Muscular dystrophy-dystroglycanopathy (congenital with intellectual disability), type B2; MUSCULAR DYSTROPHY, CONGENITAL, POMT2-RELATED. Identifiers: MedGen C3150416, MONDO:0013160, OMIM 613156.
Autosomal recessive limb-girdle muscular dystrophy type 2N. Also called: MUSCULAR DYSTROPHY-DYSTROGLYCANOPATHY, LIMB-GIRDLE, POMT2-RELATED; Muscular dystrophy-dystroglycanopathy (limb-girdle), type C, 2. Identifiers: Orphanet 206559, MedGen C3150418, MONDO:0013162, OMIM 613158.

Allele frequency attached by ClinVar (database versions not stated): gnomAD exomes below 0.00001; gnomAD 0.00001; TOPMed 0.00001.

Submissions (2):

Labcorp Genetics (formerly Invitae), Labcorp
Classification: Pathogenic for Muscular dystrophy-dystroglycanopathy (congenital with impaired intellectual development), type B, 2; Muscular dystrophy-dystroglycanopathy (congenital with brain and eye anomalies), type A2; Autosomal recessive limb-girdle muscular dystrophy type 2N. Last evaluated: 2023-12-24. Review status: criteria provided, single submitter. Criteria: Invitae Variant Classification Sherloc (09022015). Collection method: clinical testing. Allele origin: germline.
Comment: This sequence change creates a premature translational stop signal (p.Lys43*) in the POMT2 gene. It is expected to result in an absent or disrupted protein product. Loss-of-function variants in POMT2 are known to be pathogenic (PMID: 15894594). This variant is not present in population databases (gnomAD no frequency). This variant has not been reported in the literature in individuals affected with POMT2-related conditions. ClinVar contains an entry for this variant (Variation ID: 2202245). For these reasons, this variant has been classified as Pathogenic.

Baylor Genetics
Classification: Likely pathogenic for Muscular dystrophy-dystroglycanopathy (congenital with brain and eye anomalies), type A2. Last evaluated: 2023-08-17. Review status: criteria provided, single submitter. Criteria: ACMG Guidelines, 2015. Collection method: clinical testing. Allele origin: unknown.

Literature cited by the submitters: PubMed 15894594 (cited by Labcorp Genetics (formerly Invitae), Labcorp).